The following is an entry in ClinVar:

ClinVar aggregate classification (germline): Uncertain significance. Review status: criteria provided, multiple submitters, no conflicts (2 of 4 stars). 4 submissions from 4 submitters: Uncertain significance (4). Last evaluated 2025-10-21.

Conditions:
Hereditary nonpolyposis colorectal neoplasms. Identifiers: MedGen C0009405, MeSH D003123.
Hereditary cancer-predisposing syndrome. Also called: Tumor predisposition; Hereditary Cancer Syndrome; Hereditary neoplastic syndrome; Neoplastic Syndromes, Hereditary. Identifiers: Orphanet 140162, MedGen C0027672, MeSH D009386, MONDO:0015356.
Lynch syndrome. Identifiers: Orphanet 144, MedGen C4552100, MONDO:0005835. Disease mechanism: loss of function.

Allele frequency attached by ClinVar (database versions not stated): gnomAD 0.00001.
gnomAD v4.1: 1 of 1,614,094 alleles (0.000062%); highest among the groups gnomAD compares: Non-Finnish European, 0.000085%; no homozygotes.

Submissions (4):

Labcorp Genetics (formerly Invitae), Labcorp
Classification: Uncertain significance for Hereditary nonpolyposis colorectal neoplasms. Last evaluated: 2025-10-21. Review status: criteria provided, single submitter. Criteria: Invitae Variant Classification Sherloc (09022015). Collection method: clinical testing. Allele origin: germline.
Comment: This sequence change replaces glutamine, which is neutral and polar, with proline, which is neutral and non-polar, at codon 657 of the MSH6 protein (p.Gln657Pro). This variant is not present in population databases (gnomAD no frequency). This variant has not been reported in the literature in individuals affected with MSH6-related conditions. ClinVar contains an entry for this variant (Variation ID: 525682). Invitae Evidence Modeling of protein sequence and biophysical properties (such as structural, functional, and spatial information, amino acid conservation, physicochemical variation, residue mobility, and thermodynamic stability) indicates that this missense variant is not expected to disrupt MSH6 protein function with a negative predictive value of 95%. In summary, the available evidence is currently insufficient to determine the role of this variant in disease. Therefore, it has been classified as a Variant of Uncertain Significance.

Hema, HEMA – Genetic and Molecular Diagnostic Laboratory
Classification: Uncertain significance for Lynch syndrome. Last evaluated: 2024-11-20. Review status: criteria provided, single submitter. Criteria: HEMA Variant Classification Assertion Criteria. Collection method: clinical testing. Allele origin: germline.
Comment: The c.1970A>C p.(Gln657Pro) variant is a transversion from adenine to cytosine, resulting in the substitution of glutamine 657 by proline in the MSH6 protein. PM2_Supporting: Present at very low frequency in the gnomAD database. BP4: Prior probability of pathogenicity score MAPP/PP2 = 0.0005 < 0.11.

Ambry Genetics
Classification: Uncertain significance for Hereditary cancer-predisposing syndrome. Last evaluated: 2024-03-28. Review status: criteria provided, single submitter. Criteria: Ambry Variant Classification Scheme 2023. Collection method: clinical testing. Allele origin: germline.
Comment: The p.Q657P variant (also known as c.1970A>C), located in coding exon 4 of the MSH6 gene, results from an A to C substitution at nucleotide position 1970. The glutamine at codon 657 is replaced by proline, an amino acid with similar properties. This amino acid position is not well conserved in available vertebrate species. In addition, this alteration is predicted to be tolerated by in silico analysis. Based on the available evidence, the clinical significance of this alteration remains unclear.

Color Diagnostics, LLC DBA Color Health
Classification: Uncertain significance for Hereditary cancer-predisposing syndrome. Last evaluated: 2024-03-07. Review status: criteria provided, single submitter. Criteria: ACMG Guidelines, 2015. Collection method: clinical testing. Allele origin: germline.
Comment: This missense variant replaces glutamine with proline at codon 657 of the MSH6 protein. Computational prediction suggests that this variant may not impact protein structure and function (internally defined REVEL score threshold <= 0.5, PMID: 27666373). Splice site prediction tools suggest that this variant may not impact RNA splicing. To our knowledge, functional studies have not been performed for this variant. This variant has not been reported in individuals affected with hereditary cancer in the literature. This variant has not been identified in the general population by the Genome Aggregation Database (gnomAD). The available evidence is insufficient to determine the role of this variant in disease conclusively. Therefore, this variant is classified as a Variant of Uncertain Significance.

NM_000179.3(MSH6):c.1970A>C (p.Gln657Pro)

Gene: MSH6 (mutS homolog 6; plus strand). Cytogenetic location: 2p16.3.
Variant type: single nucleotide variant.
Coding change: c.1970A>C on transcript NM_000179.3 (MANE Select); coding-DNA position 1970, A replaced by C.
Protein change: p.Gln657Pro; replaces glutamine 657 with proline.
Molecular consequence: missense variant.
Genome position (GRCh38, 1-based): chr2:47,799,953, A>C. VCF-style: chr2-47799953-A-C. GRCh37 (hg19) VCF-style: chr2-48027092-A-C.
Other names: c.1580A>C, p.Gln527Pro (NM_001281492.2); c.1064A>C, p.Gln355Pro (NM_001281493.2, NM_001281494.2); short protein forms Q657P, Q355P, Q527P.
Identifiers: ClinVar variation 525682 (VCV000525682.19), dbSNP rs1459883720, ClinGen allele CA346750601.
Genomic context (GRCh38, chr2:47,799,953, plus strand): 5'-TCCTTGAGGAAGAATATTTTAGGGAAAAGCTAAGTGATGGCATTGGGGTGATGTTACCCC[A>C]GGTGCTTAAAGGTATGACTTCAGAGTCTGATTCCATTGGGTTGACACCAGGAGAGAAAAG-3'
Protein context (NP_000170.1, residues 647-667): LSDGIGVMLP[Gln657Pro]VLKGMTSESD